The following is an entry in ClinVar:

ClinVar aggregate classification (germline): Uncertain significance (1 of 4 stars; one submission).

Conditions:
Neurodevelopmental disorder with regression, abnormal movements, loss of speech, and seizures. Identifiers: Orphanet 597623, MedGen C4748127, MONDO:0060759, OMIM 618088.

Submission:

Laboratorio de Genetica e Diagnostico Molecular, Hospital Israelita Albert Einstein
Classification: Uncertain significance for Neurodevelopmental disorder with regression, abnormal movements, loss of speech, and seizures. Last evaluated: 2024-02-29. Review status: criteria provided, single submitter. Criteria: ACMG Guidelines, 2015. Collection method: clinical testing. Allele origin: germline. Affected: yes.
Comment: ACMG classification criteria: PVS1 strong, PM2 supporting

NM_024496.4(IRF2BPL):c.1565del (p.Pro522fs)

Gene: IRF2BPL (interferon regulatory factor 2 binding protein like; minus strand). Cytogenetic location: 14q24.3.
Variant type: Deletion.
Coding change: c.1565del on transcript NM_024496.4 (MANE Select); coding-DNA position 1565, one base deleted (C; older notation c.1565delC).
Protein change: p.Pro522fs; shifts the reading frame from proline 522.
Molecular consequence: frameshift variant.
Genome position (GRCh38, 1-based): chr14:77,026,228, G deleted on the plus strand (C on the coding strand, the reverse complement: IRF2BPL is on the minus strand); the first of 5 consecutive G bases (chr14:77,026,228-77,026,232); deleting any one gives the same sequence. VCF-style (leftmost placement, unchanged base first): chr14-77026227-CG-C. GRCh37 (hg19) VCF-style: chr14-77492570-CG-C.
Other names: short protein forms P522fs.
Identifiers: ClinVar variation 4056802 (VCV004056802.1).